The following is an entry in ClinVar:

ClinVar aggregate classification (germline): Uncertain significance (1 of 4 stars; one submission).

Allele frequency attached by ClinVar (database versions not stated): gnomAD 0.00003 and 0.00004; TOPMed 0.00005.
gnomAD v4.1: 50 of 1,613,604 alleles (0.0031%); highest among the groups gnomAD compares: South Asian, 0.0066%; no homozygotes.

Submission:

Labcorp Genetics (formerly Invitae), Labcorp
Classification: Uncertain significance. Last evaluated: 2021-09-01. Review status: criteria provided, single submitter. Criteria: Invitae Variant Classification Sherloc (09022015). Collection method: clinical testing. Allele origin: germline.
Comment: This sequence change replaces valine with isoleucine at codon 200 of the TSPEAR protein (p.Val200Ile). The valine residue is moderately conserved and there is a small physicochemical difference between valine and isoleucine. This variant is present in population databases (rs782081048, ExAC 0.006%). This variant has not been reported in the literature in individuals affected with TSPEAR-related conditions. Algorithms developed to predict the effect of missense changes on protein structure and function output the following: SIFT: "Tolerated"; PolyPhen-2: "Benign"; Align-GVGD: "Class C0". The isoleucine amino acid residue is found in multiple mammalian species, which suggests that this missense change does not adversely affect protein function. In summary, the available evidence is currently insufficient to determine the role of this variant in disease. Therefore, it has been classified as a Variant of Uncertain Significance.

NM_144991.3(TSPEAR):c.598G>A (p.Val200Ile)

Gene: TSPEAR (thrombospondin type laminin G domain and EAR repeats; minus strand). Cytogenetic location: 21q22.3.
Variant type: single nucleotide variant.
Coding change: c.598G>A on transcript NM_144991.3 (MANE Select); coding-DNA position 598, G replaced by A.
Protein change: p.Val200Ile; replaces valine 200 with isoleucine.
Molecular consequence: missense variant.
Genome position (GRCh38, 1-based): chr21:44,531,078, C>T on the plus strand (G>A on the coding strand, the complement: TSPEAR is on the minus strand). VCF-style: chr21-44531078-C-T. GRCh37 (hg19) VCF-style: chr21-45950961-C-T.
Other names: c.394G>A, p.Val132Ile (NM_001272037.2); short protein forms V132I, V200I.
Identifiers: ClinVar variation 1419770 (VCV001419770.5), dbSNP rs782081048, ClinGen allele CA10056940.
Genomic context (GRCh38, chr21:44,531,078, plus strand): 5'-GGGAAGGCAGCCCCTCCATACTCGCCATGAACAGGCCTTTGGCTCTCCTCCGGCTGCCGA[C>T]GAAGAATCGAGCTCCTTTCACTGACAGGGTGGCTGGGAAGGGCACATCGGCCATTCTGAA-3'
Protein context (NP_659428.2, residues 190-210): TLSVKGARFF[Val200Ile]GSRRRAKGLF